The following is an entry in ClinVar:

NM_000540.3(RYR1):c.14735T>C (p.Leu4912Pro)

Gene: RYR1 (ryanodine receptor 1; plus strand). Cytogenetic location: 19q13.2.
Variant type: single nucleotide variant.
Coding change: c.14735T>C on transcript NM_000540.3 (MANE Select); coding-DNA position 14735, T replaced by C.
Protein change: p.Leu4912Pro; replaces leucine 4912 with proline.
Molecular consequence: missense variant.
Genome position (GRCh38, 1-based): chr19:38,585,031, T>C. VCF-style: chr19-38585031-T-C. GRCh37 (hg19) VCF-style: chr19-39075671-T-C.
Other names: c.14720T>C, p.Leu4907Pro (NM_001042723.2); short protein forms L4912P, L4907P.
Identifiers: ClinVar variation 2106186 (VCV002106186.5), dbSNP rs2514773368, ClinGen allele CA405690681.

ClinVar aggregate classification (germline): Uncertain significance. Review status: criteria provided, multiple submitters, no conflicts (2 of 4 stars). 2 submissions from 2 submitters: Uncertain significance (2). Last evaluated 2023-05-16.

Conditions:
RYR1-related disorder. Also called: RYR1-related condition; RYR1-related disorders. Identifiers: MedGen CN239331.
Malignant hyperthermia, susceptibility to, 1 (MHS1). Also called: RYR1-Related Malignant Hyperthermia Susceptibility; Malignant hyperthermia suceptibility 1; Anesthesia related hyperthermia; Malignant hyperpyrexia; Fulminating hyperpyrexia; Pharmacogenic myopathy. Identifiers: Orphanet 423, MedGen C2930980, MONDO:0007783, OMIM 145600.

Submissions (2):

All of Us Research Program, National Institutes of Health
Classification: Uncertain significance for Malignant hyperthermia, susceptibility to, 1. Last evaluated: 2023-05-16. Review status: criteria provided, single submitter. Criteria: ACMG Guidelines, 2015. Collection method: clinical testing. Allele origin: germline. Inheritance: Autosomal dominant inheritance. Observed: 1 variant allele, 1 heterozygote.
Comment: This missense variant replaces leucine with proline at codon 4912 of the RYR1 protein. Computational prediction suggests that this variant may have deleterious impact on protein structure and function (internally defined REVEL score threshold >= 0.7, PMID: 27666373). To our knowledge, functional studies have not been reported for this variant. This variant has not been reported in individuals affected with RYR1-related disorders in the literature. This variant has not been identified in the general population by the Genome Aggregation Database (gnomAD). The available evidence is insufficient to determine the role of this variant in disease conclusively. Therefore, this variant is classified as a Variant of Uncertain Significance.

This study involves interpretation of variants in research participants for the purpose of population health screening. Participant phenotype was not available at the time of variant classification. Additional details can be found in publication PMID: 35346344, PMCID: PMC8962531

Labcorp Genetics (formerly Invitae), Labcorp
Classification: Uncertain significance for RYR1-related disorder. Last evaluated: 2022-03-04. Review status: criteria provided, single submitter. Criteria: Invitae Variant Classification Sherloc (09022015). Collection method: clinical testing. Allele origin: germline.
Comment: In summary, the available evidence is currently insufficient to determine the role of this variant in disease. Therefore, it has been classified as a Variant of Uncertain Significance. Advanced modeling of protein sequence and biophysical properties (such as structural, functional, and spatial information, amino acid conservation, physicochemical variation, residue mobility, and thermodynamic stability) performed at Invitae indicates that this missense variant is expected to disrupt RYR1 protein function. This variant has not been reported in the literature in individuals affected with RYR1-related conditions. This variant is not present in population databases (gnomAD no frequency). This sequence change replaces leucine, which is neutral and non-polar, with proline, which is neutral and non-polar, at codon 4912 of the RYR1 protein (p.Leu4912Pro).